The following is an entry in ClinVar:

NM_001367549.1(ATP13A3):c.2923A>G (p.Ile975Val)

Gene: ATP13A3 (ATPase 13A3; minus strand). Cytogenetic location: 3q29.
Variant type: single nucleotide variant.
Coding change: c.2923A>G on transcript NM_001367549.1 (MANE Select); coding-DNA position 2923, A replaced by G.
Protein change: p.Ile975Val; replaces isoleucine 975 with valine.
Molecular consequence: missense variant. On other transcripts: non-coding transcript variant (2).
Genome position (GRCh38, 1-based): chr3:194,428,869, T>C on the plus strand (A>G on the coding strand, the complement: ATP13A3 is on the minus strand). VCF-style: chr3-194428869-T-C. GRCh37 (hg19) VCF-style: chr3-194149598-T-C.
Other names: c.2842A>G, p.Ile948Val (NM_001374836.1); c.2923A>G, p.Ile975Val (NM_001437993.1, NM_024524.4); short protein forms I975V, I948V.
Identifiers: ClinVar variation 4644154 (VCV004644154.2).

ClinVar aggregate classification (germline): Uncertain significance. Review status: criteria provided, multiple submitters, no conflicts (2 of 4 stars). 2 submissions from 2 submitters: Uncertain significance (2). Last evaluated 2025-09-22.

gnomAD v4.1: 176 of 1,598,680 alleles (0.011%); highest among the groups gnomAD compares: East Asian, 0.031%; no homozygotes.

Submissions (2):

Ambry Genetics
Classification: Uncertain significance. Last evaluated: 2025-09-22. Review status: criteria provided, single submitter. Criteria: Ambry Variant Classification Scheme 2023. Collection method: clinical testing. Allele origin: germline.

Labcorp Genetics (formerly Invitae), Labcorp
Classification: Uncertain significance. Last evaluated: 2025-04-28. Review status: criteria provided, single submitter. Criteria: Invitae Variant Classification Sherloc (09022015). Collection method: clinical testing. Allele origin: germline.
Comment: This sequence change replaces isoleucine, which is neutral and non-polar, with valine, which is neutral and non-polar, at codon 975 of the ATP13A3 protein (p.Ile975Val). This variant is present in population databases (rs751159478, gnomAD 0.007%). This variant has not been reported in the literature in individuals affected with ATP13A3-related conditions. Invitae Evidence Modeling of protein sequence and biophysical properties (such as structural, functional, and spatial information, amino acid conservation, physicochemical variation, residue mobility, and thermodynamic stability) indicates that this missense variant is not expected to disrupt ATP13A3 protein function with a negative predictive value of 80%. In summary, the available evidence is currently insufficient to determine the role of this variant in disease. Therefore, it has been classified as a Variant of Uncertain Significance.